The following is an entry in ClinVar:

ClinVar aggregate classification (germline): Uncertain significance (1 of 4 stars; one submission).

Conditions:
Peutz-Jeghers syndrome (PJS). Also called: POLYPOSIS, HAMARTOMATOUS INTESTINAL; POLYPS-AND-SPOTS SYNDROME; Peutz-Jeghers polyposis; Periorificial lentiginosis syndrome. Identifiers: Orphanet 2869, MedGen C0031269, MeSH D010580, MONDO:0008280, OMIM 175200.

Submission:

Labcorp Genetics (formerly Invitae), Labcorp
Classification: Uncertain significance for Peutz-Jeghers syndrome. Last evaluated: 2024-02-04. Review status: criteria provided, single submitter. Criteria: Invitae Variant Classification Sherloc (09022015). Collection method: clinical testing. Allele origin: germline.
Comment: This sequence change replaces leucine, which is neutral and non-polar, with proline, which is neutral and non-polar, at codon 286 of the STK11 protein (p.Leu286Pro). This variant is not present in population databases (gnomAD no frequency). This variant has not been reported in the literature in individuals affected with STK11-related conditions. Advanced modeling of protein sequence and biophysical properties (such as structural, functional, and spatial information, amino acid conservation, physicochemical variation, residue mobility, and thermodynamic stability) performed at Invitae indicates that this missense variant is expected to disrupt STK11 protein function with a positive predictive value of 95%. In summary, the available evidence is currently insufficient to determine the role of this variant in disease. Therefore, it has been classified as a Variant of Uncertain Significance.

NM_000455.5(STK11):c.857T>C (p.Leu286Pro)

Gene: STK11 (serine/threonine kinase 11; plus strand). Cytogenetic location: 19p13.3.
Variant type: single nucleotide variant.
Coding change: c.857T>C on transcript NM_000455.5 (MANE Select); coding-DNA position 857, T replaced by C.
Protein change: p.Leu286Pro; replaces leucine 286 with proline.
Molecular consequence: missense variant. On other transcripts: non-coding transcript variant (1).
Genome position (GRCh38, 1-based): chr19:1,221,335, T>C. VCF-style: chr19-1221335-T-C. GRCh37 (hg19) VCF-style: chr19-1221334-T-C.
Other names: c.857T>C, p.Leu286Pro (NM_001407255.1); short protein forms L286P.
Identifiers: ClinVar variation 3638792 (VCV003638792.2).
Genomic context (GRCh38, chr19:1,221,335, plus strand): 5'-ACATCGGGAAGGGGAGCTACGCCATCCCGGGCGACTGTGGCCCCCCGCTCTCTGACCTGC[T>C]GAAAGGTGGGAGCCTCATCCCTCTGCCCGCAGCCCCAGGGAGGCGGGGCTTTTGTGCAGA-3'
Protein context (NP_000446.1, residues 276-296): GDCGPPLSDL[Leu286Pro]KGMLEYEPAK